The following is an entry in ClinVar:

NM_012418.4(FSCN2):c.1067A>G (p.Lys356Arg)

Gene: FSCN2 (fascin actin-bundling protein 2, retinal; plus strand). Cytogenetic location: 17q25.3.
Variant type: single nucleotide variant.
Coding change: c.1067A>G on transcript NM_012418.4 (MANE Select); coding-DNA position 1067, A replaced by G.
Protein change: p.Lys356Arg; replaces lysine 356 with arginine.
Molecular consequence: missense variant.
Genome position (GRCh38, 1-based): chr17:81,536,229, A>G. VCF-style: chr17-81536229-A-G. GRCh37 (hg19) VCF-style: chr17-79503255-A-G.
Other names: c.1067A>G, p.Lys356Arg (NM_001077182.3); short protein forms K356R.
Identifiers: ClinVar variation 1350107 (VCV001350107.8), dbSNP rs1260677667, ClinGen allele CA401476743.

ClinVar aggregate classification (germline): Uncertain significance (1 of 4 stars; one submission).

Allele frequency attached by ClinVar (database versions not stated): TOPMed 0.00001.

Submission:

Labcorp Genetics (formerly Invitae), Labcorp
Classification: Uncertain significance. Last evaluated: 2020-11-21. Review status: criteria provided, single submitter. Criteria: Invitae Variant Classification Sherloc (09022015). Collection method: clinical testing. Allele origin: germline.
Comment: This sequence change replaces lysine with arginine at codon 356 of the FSCN2 protein (p.Lys356Arg). The lysine residue is highly conserved and there is a small physicochemical difference between lysine and arginine. In summary, the available evidence is currently insufficient to determine the role of this variant in disease. Therefore, it has been classified as a Variant of Uncertain Significance. Algorithms developed to predict the effect of missense changes on protein structure and function (SIFT, PolyPhen-2, Align-GVGD) all suggest that this variant is likely to be disruptive, but these predictions have not been confirmed by published functional studies and their clinical significance is uncertain. This variant has not been reported in the literature in individuals with FSCN2-related conditions. This variant is not present in population databases (ExAC no frequency).